The following is an entry in ClinVar:

NM_005431.2(XRCC2):c.2T>C (p.Met1Thr)

Gene: XRCC2 (X-ray repair cross complementing 2; minus strand). Cytogenetic location: 7q36.1.
Variant type: single nucleotide variant.
Coding change: c.2T>C on transcript NM_005431.2 (MANE Select); coding-DNA position 2, T replaced by C.
Protein change: p.Met1Thr; changes the start codon (methionine 1).
Molecular consequence: missense variant, initiator codon variant.
Genome position (GRCh38, 1-based): chr7:152,676,078, A>G on the plus strand (T>C on the coding strand, the complement: XRCC2 is on the minus strand). VCF-style: chr7-152676078-A-G. GRCh37 (hg19) VCF-style: chr7-152373163-A-G.
Other names: short protein forms M1T.
Identifiers: ClinVar variation 1798671 (VCV001798671.3), dbSNP rs1064793295, ClinGen allele CA16618441.

ClinVar aggregate classification (germline): Likely pathogenic (1 of 4 stars; one submission).

Conditions:
Hereditary cancer-predisposing syndrome. Also called: Neoplastic Syndromes, Hereditary; Tumor predisposition; Hereditary Cancer Syndrome; Hereditary neoplastic syndrome. Identifiers: Orphanet 140162, MedGen C0027672, MeSH D009386, MONDO:0015356.

Submission:

Ambry Genetics
Classification: Likely pathogenic for Hereditary cancer-predisposing syndrome. Last evaluated: 2024-01-03. Review status: criteria provided, single submitter. Criteria: Ambry Variant Classification Scheme 2023. Collection method: clinical testing. Allele origin: germline.
Comment: The p.M1? variant (also known as c.2T>C) is located in coding exon 1 of the XRCC2 gene and results from a T to C substitution at nucleotide position 2. This alters the methionine residue at the initiation codon (ATG). This variant is considered to be rare based on population cohorts in the Genome Aggregation Database (gnomAD). This amino acid position is highly conserved in available vertebrate species. Sequence variations that modify the initiation codon are expected to result in either loss of translation initiation, N-terminal truncation, or cause a shift in the mRNA reading frame. Based on the majority of available evidence to date, this variant is likely to be pathogenic.